The following is an entry in ClinVar:

ClinVar aggregate classification (germline): Uncertain significance (1 of 4 stars; one submission).

Conditions:
Tuberous sclerosis 2 (TSC2). Identifiers: Orphanet 805, MedGen C1860707, MONDO:0013199, OMIM 613254.

Submission:

Labcorp Genetics (formerly Invitae), Labcorp
Classification: Uncertain significance for Tuberous sclerosis 2. Last evaluated: 2023-06-21. Review status: criteria provided, single submitter. Criteria: Invitae Variant Classification Sherloc (09022015). Collection method: clinical testing. Allele origin: germline.
Comment: In summary, the available evidence is currently insufficient to determine the role of this variant in disease. Therefore, it has been classified as a Variant of Uncertain Significance. This sequence change replaces glycine, which is neutral and non-polar, with arginine, which is basic and polar, at codon 1567 of the TSC2 protein (p.Gly1567Arg). This variant is not present in population databases (gnomAD no frequency). This variant has not been reported in the literature in individuals affected with TSC2-related conditions. Advanced modeling of protein sequence and biophysical properties (such as structural, functional, and spatial information, amino acid conservation, physicochemical variation, residue mobility, and thermodynamic stability) performed at Invitae indicates that this missense variant is expected to disrupt TSC2 protein function.

NM_000548.5(TSC2):c.4699G>C (p.Gly1567Arg)

Gene: TSC2 (TSC complex subunit 2; plus strand). Cytogenetic location: 16p13.3.
Variant type: single nucleotide variant.
Coding change: c.4699G>C on transcript NM_000548.5 (MANE Select); coding-DNA position 4699, G replaced by C.
Protein change: p.Gly1567Arg; replaces glycine 1567 with arginine.
Molecular consequence: missense variant. On other transcripts: non-coding transcript variant (5).
Genome position (GRCh38, 1-based): chr16:2,086,229, G>C. VCF-style: chr16-2086229-G-C. GRCh37 (hg19) VCF-style: chr16-2136230-G-C.
Other names: c.4531G>C, p.Gly1511Arg (NM_001318832.2); c.4501G>C, p.Gly1501Arg (NM_001363528.2); c.4498G>C, p.Gly1500Arg (NM_001077183.3); c.4630G>C, p.Gly1544Arg (NM_001114382.3); c.4390G>C, p.Gly1464Arg (NM_001318827.2); c.4354G>C, p.Gly1452Arg (NM_001318829.2); c.3967G>C, p.Gly1323Arg (NM_001318831.2); c.4567G>C, p.Gly1523Arg (NM_001370404.1); and 26 more; short protein forms G1075R, G1096R, G1301R, G1344R, G1347R, G1494R, G1495R, G1500R.
Identifiers: ClinVar variation 2721650 (VCV002721650.3), dbSNP rs2151570619, ClinGen allele CA394307275.
Genomic context (GRCh38, chr16:2,086,229, plus strand): 5'-CCTGCCTCTCCCCTCTCCCCACAGAGCAACAGCGAGCTCGCCATCCTGTCCAATGAGCAT[G>C]GCTCCTACAGGTACACGGAGTTCCTGACGGGCCTGGGCCGGCTCATCGAGCTGAAGGACT-3'
Protein context (NP_000539.2, residues 1557-1577): SELAILSNEH[Gly1567Arg]SYRYTEFLTG